The following is an entry in ClinVar:

NM_015909.4(NBAS):c.2749T>A (p.Leu917Ile)

Gene: NBAS (NBAS subunit of NRZ tethering complex; minus strand). Cytogenetic location: 2p24.3.
Variant type: single nucleotide variant.
Coding change: c.2749T>A on transcript NM_015909.4 (MANE Select); coding-DNA position 2749, T replaced by A.
Protein change: p.Leu917Ile; replaces leucine 917 with isoleucine.
Molecular consequence: missense variant. On other transcripts: non-coding transcript variant (1).
Genome position (GRCh38, 1-based): chr2:15,417,541, A>T on the plus strand (T>A on the coding strand, the complement: NBAS is on the minus strand). VCF-style: chr2-15417541-A-T. GRCh37 (hg19) VCF-style: chr2-15557665-A-T.
Other names: short protein forms L917I.
Identifiers: ClinVar variation 1420077 (VCV001420077.8), dbSNP rs1360889529, ClinGen allele CA345886567.

ClinVar aggregate classification (germline): Uncertain significance (1 of 4 stars; one submission).

Submission:

Labcorp Genetics (formerly Invitae), Labcorp
Classification: Uncertain significance. Last evaluated: 2021-04-08. Review status: criteria provided, single submitter. Criteria: Invitae Variant Classification Sherloc (09022015). Collection method: clinical testing. Allele origin: germline.
Comment: In summary, the available evidence is currently insufficient to determine the role of this variant in disease. Therefore, it has been classified as a Variant of Uncertain Significance. Algorithms developed to predict the effect of missense changes on protein structure and function are either unavailable or do not agree on the potential impact of this missense change (SIFT: "Deleterious"; PolyPhen-2: "Possibly Damaging"; Align-GVGD: "Class C0"). This variant has not been reported in the literature in individuals with NBAS-related conditions. This variant is not present in population databases (ExAC no frequency). This sequence change replaces leucine with isoleucine at codon 917 of the NBAS protein (p.Leu917Ile). The leucine residue is highly conserved and there is a small physicochemical difference between leucine and isoleucine.